The following is an entry in ClinVar:

NM_002838.5(PTPRC):c.535G>A (p.Ala179Thr)

Gene: PTPRC (protein tyrosine phosphatase receptor type C; plus strand). Cytogenetic location: 1q32.1.
Variant type: single nucleotide variant.
Coding change: c.535G>A on transcript NM_002838.5 (MANE Select); coding-DNA position 535, G replaced by A.
Protein change: p.Ala179Thr; replaces alanine 179 with threonine.
Molecular consequence: missense variant. On other transcripts: intron variant (1).
Genome position (GRCh38, 1-based): chr1:198,702,482, G>A. VCF-style: chr1-198702482-G-A. GRCh37 (hg19) VCF-style: chr1-198671611-G-A.
Other names: c.101-816G>A (NM_080921.4); short protein forms A179T.
Identifiers: ClinVar variation 569362 (VCV000569362.9), dbSNP rs1558008164, ClinGen allele CA344097611.

ClinVar aggregate classification (germline): Uncertain significance (1 of 4 stars; one submission).

Conditions:
Immunodeficiency 104. Also called: Severe combined immunodeficiency, autosomal recessive, T cell-negative, B cell-positive, NK cell-positive; SCID, AUTOSOMAL RECESSIVE, T CELL-NEGATIVE, B CELL-POSITIVE, NK CELL-POSITIVE; Severe Combined Immune Deficiency, Autosomal Recessive, TCell -Negative, B Cell-Positive, NK Cell-Positive, IL7R-Related; IMMUNODEFICIENCY 104, SEVERE COMBINED. Identifiers: MedGen C5676890, MONDO:0012163, OMIM 608971.

Allele frequency attached by ClinVar (database versions not stated): gnomAD exomes below 0.00001.
gnomAD v4.1: 1 of 1,614,098 alleles (0.000062%); highest among the groups gnomAD compares: South Asian, 0.0011%; no homozygotes.

Submission:

Labcorp Genetics (formerly Invitae), Labcorp
Classification: Uncertain significance for Immunodeficiency 104. Last evaluated: 2018-02-14. Review status: criteria provided, single submitter. Criteria: Invitae Variant Classification Sherloc (09022015). Collection method: clinical testing. Allele origin: germline.
Comment: In summary, the available evidence is currently insufficient to determine the role of this variant in disease. Therefore, it has been classified as a Variant of Uncertain Significance. Algorithms developed to predict the effect of missense changes on protein structure and function do not agree on the potential impact of this missense change (SIFT: "Deleterious"; PolyPhen-2: "Benign"; Align-GVGD: "Class C0"). This variant has not been reported in the literature in individuals with PTPRC-related disease. This variant is not present in population databases (ExAC no frequency). This sequence change replaces alanine with threonine at codon 179 of the PTPRC protein (p.Ala179Thr). The alanine residue is highly conserved and there is a small physicochemical difference between alanine and threonine.